The following is an entry in ClinVar:

ClinVar aggregate classification (germline): Uncertain significance (1 of 4 stars; one submission).

Conditions:
Hereditary cancer-predisposing syndrome. Also called: Tumor predisposition; Hereditary Cancer Syndrome; Hereditary neoplastic syndrome; Neoplastic Syndromes, Hereditary. Identifiers: Orphanet 140162, MedGen C0027672, MeSH D009386, MONDO:0015356.

Submission:

Ambry Genetics
Classification: Uncertain significance for Hereditary cancer-predisposing syndrome. Last evaluated: 2023-06-30. Review status: criteria provided, single submitter. Criteria: Ambry Variant Classification Scheme 2023. Collection method: clinical testing. Allele origin: germline.
Comment: The p.V1292E variant (also known as c.3875T>A), located in coding exon 25 of the ATM gene, results from a T to A substitution at nucleotide position 3875. The valine at codon 1292 is replaced by glutamic acid, an amino acid with dissimilar properties. This amino acid position is conserved. In addition, this alteration is predicted to be deleterious by in silico analysis. Since supporting evidence is limited at this time, the clinical significance of this alteration remains unclear.

NM_000051.4(ATM):c.3875T>A (p.Val1292Glu)

Gene: ATM (ATM serine/threonine kinase; plus strand). Cytogenetic location: 11q22.3.
Variant type: single nucleotide variant.
Coding change: c.3875T>A on transcript NM_000051.4 (MANE Select); coding-DNA position 3875, T replaced by A.
Protein change: p.Val1292Glu; replaces valine 1292 with glutamic acid.
Molecular consequence: missense variant.
Genome position (GRCh38, 1-based): chr11:108,284,355, T>A. VCF-style: chr11-108284355-T-A. GRCh37 (hg19) VCF-style: chr11-108155082-T-A.
Other names: c.3875T>A, p.Val1292Glu (NM_001351834.2); short protein forms V1292E.
Identifiers: ClinVar variation 2587771 (VCV002587771.2), dbSNP rs1555093556, ClinGen allele CA382525399.